The following is an entry in ClinVar:

NM_000219.6(KCNE1):c.325G>T (p.Val109Phe)

Gene: KCNE1 (potassium voltage-gated channel subfamily E regulatory subunit 1; minus strand). Cytogenetic location: 21q22.12.
Variant type: single nucleotide variant.
Coding change: c.325G>T on transcript NM_000219.6 (MANE Select); coding-DNA position 325, G replaced by T.
Protein change: p.Val109Phe; replaces valine 109 with phenylalanine.
Molecular consequence: missense variant.
Genome position (GRCh38, 1-based): chr21:34,449,310, C>A on the plus strand (G>T on the coding strand, the complement: KCNE1 is on the minus strand). VCF-style: chr21-34449310-C-A. GRCh37 (hg19) VCF-style: chr21-35821608-C-A.
Other names: c.325G>T, p.Val109Phe (NM_001127668.4, NM_001127669.4, NM_001127670.4 and 4 more transcripts); short protein forms V109F.
Identifiers: ClinVar variation 3374644 (VCV003374644.2).
Genomic context (GRCh38, chr21:34,449,310, plus strand): 5'-GGGAAGGCTTCGTCTCAGGAAGGTGTGTGTTGGGTTGTTCTATGGCCAGATGGTTTTCAA[C>A]GACATAGCACGACCTGTAGCTCTCCAGGACCCGGGCCTGGACATAGGCCTTGTCCTTCTC-3'
Protein context (NP_000210.2, residues 99-119): VLESYRSCYV[Val109Phe]ENHLAIEQPN

Conditions:
Long QT syndrome 5 (LQT5). Identifiers: Orphanet 101016, Orphanet 768, MedGen C1867904, MONDO:0013372, OMIM 613695.

Submission:

Roden Lab, Vanderbilt University Medical Center
No classification provided (evidence only). Condition: Long QT syndrome 5. Review status: no classification provided. Collection method: in vitro. Allele origin: not applicable. Functional consequence: Effect on ion channel function.
ClinVar note: "not provided" was previously submitted as the classification for the variant. However, the classification appeared to be based only on an observation of functional data so it was converted to no classification on 2025-07-30.